The following is an entry in ClinVar:

ClinVar aggregate classification (germline): Likely benign (0 of 4 stars; one submission).

Conditions:
NT5C2-related disorder. Also called: NT5C2-related condition.

Submission:

PreventionGenetics, part of Exact Sciences
Classification: Likely benign for NT5C2-related condition. Last evaluated: 2022-10-17. Review status: no assertion criteria provided. Collection method: clinical testing. Allele origin: germline.
Comment: This variant is classified as likely benign based on ACMG/AMP sequence variant interpretation guidelines (Richards et al. 2015 PMID: 25741868, with internal and published modifications).

NM_001351169.2(NT5C2):c.1536G>A (p.Val512=)

Genes: CNNM2 (cyclin and CBS domain divalent metal cation transport mediator 2; plus strand), NT5C2 (5'-nucleotidase, cytosolic II; minus strand). Cytogenetic location: 10q24.32.
Variant type: single nucleotide variant.
Coding change: c.1536G>A on transcript NM_001351169.2 (MANE Select); coding-DNA position 1536, G replaced by A.
Protein change: p.Val512=; no amino-acid change (valine 512 retained).
Molecular consequence: synonymous variant. On other transcripts: 3 prime UTR variant (2).
Genome position (GRCh38, 1-based): chr10:103,089,822, C>T on the plus strand (G>A on the coding strand, the complement: NT5C2 is on the minus strand). VCF-style: chr10-103089822-C-T. GRCh37 (hg19) VCF-style: chr10-104849579-C-T.
Other names: c.1536G>A, p.Val512= (NM_001134373.3, NM_012229.5); c.1560G>A, p.Val520= (NM_001351170.2, NM_001351171.2, NM_001351172.2 and 1 more transcripts); c.1449G>A, p.Val483= (NM_001351174.1); c.1443G>A, p.Val481= (NM_001351175.2); c.963G>A, p.Val321= (NM_001351176.2, NM_001351177.2, NM_001351178.2 and 16 more transcripts); c.822G>A, p.Val274= (NM_001351194.2, NM_001351195.2, NM_001351196.2); c.*12642C>T (NM_017649.5, NM_199076.3).
Identifiers: ClinVar variation 3053974 (VCV003053974.2), dbSNP rs2493791517, ClinGen allele CA471496523.
Genomic context (GRCh38, chr10:103,089,822, plus strand): 5'-TTTAATCTCACTAATTGACCGTGTCAGCTGGTGCCGCTTGTAGTCAGTGTCTTTGAAATC[C>T]ACTGATGTGCGGTTCCGGGTGGCAAGAGGAGACTCCATCTCATTGATATCTACGTGTGTG-3'
Protein context (NP_001338098.1, residues 502-522): SPLATRNRTS[Val512=]DFKDTDYKRH